The following is an entry in ClinVar:

ClinVar aggregate classification (germline): Pathogenic (1 of 4 stars; one submission).

Conditions:
Cardiovascular phenotype. Identifiers: MedGen CN230736.
Hereditary cancer-predisposing syndrome. Also called: Neoplastic Syndromes, Hereditary; Tumor predisposition; Hereditary Cancer Syndrome; Hereditary neoplastic syndrome. Identifiers: Orphanet 140162, MedGen C0027672, MeSH D009386, MONDO:0015356.

Submission:

Ambry Genetics
Classification: Pathogenic for Cardiovascular phenotype; Hereditary cancer-predisposing syndrome. Last evaluated: 2026-04-10. Review status: criteria provided, single submitter. Criteria: Ambry Variant Classification Scheme 2023. Collection method: clinical testing. Allele origin: germline.
Comment: The c.6794_6813del20 pathogenic mutation, located in coding exon 45 of the NF1 gene, results from a deletion of 20 nucleotides at nucleotide positions 6794 to 6813, causing a translational frameshift with a predicted alternate stop codon (p.N2265Sfs*14). This variant is considered to be rare based on population cohorts in the Genome Aggregation Database (gnomAD). This alteration is expected to result in loss of function by premature protein truncation or nonsense-mediated mRNA decay. As such, this alteration is interpreted as a disease-causing mutation.

NM_001042492.3(NF1):c.6857_6876del (p.Asn2286fs)

Gene: NF1 (neurofibromin 1; plus strand). Cytogenetic location: 17q11.2.
Variant type: Deletion.
Coding change: c.6857_6876del on transcript NM_001042492.3 (MANE Select); coding-DNA positions 6857 to 6876, 20 bases deleted (ACAGTCAAGTTCTGATAGAA).
Protein change: p.Asn2286fs; shifts the reading frame from asparagine 2286.
Molecular consequence: frameshift variant.
Genome position (GRCh38, 1-based): chr17:31,338,741-31,338,760, ACAGTCAAGTTCTGATAGAA deleted; deleting any 20 consecutive bases within chr17:31,338,740-31,338,760 gives the same sequence; the c. name uses the placement nearest the transcript's 3' end. VCF-style (leftmost placement, unchanged base first): chr17-31338739-CAACAGTCAAGTTCTGATAGA-C. GRCh37 (hg19) VCF-style: chr17-29665757-CAACAGTCAAGTTCTGATAGA-C.
Other names: c.6794_6813del, p.Asn2265fs (NM_000267.4); short protein forms N2265fs, N2286fs.
Identifiers: ClinVar variation 4860908 (VCV004860908.1).